The following is an entry in ClinVar:

NM_000214.3(JAG1):c.2096_2100del (p.Gly699fs)

Gene: JAG1 (jagged canonical Notch ligand 1; minus strand). Cytogenetic location: 20p12.2.
Variant type: Microsatellite.
Coding change: c.2096_2100del on transcript NM_000214.3 (MANE Select); coding-DNA positions 2096 to 2100, 5 bases deleted (GAAAG; older notation c.2096_2100delGAAAG).
Protein change: p.Gly699fs; shifts the reading frame from glycine 699.
Molecular consequence: frameshift variant.
Genome position (GRCh38, 1-based): chr20:10,645,369-10,645,373, CTTTC deleted on the plus strand (GAAAG on the coding strand, the reverse complement: JAG1 is on the minus strand); deleting any 5 consecutive bases within chr20:10,645,369-10,645,379 gives the same sequence; the c. name uses the placement nearest the transcript's 3' end. VCF-style (leftmost placement, unchanged base first): chr20-10645368-TCTTTC-T. GRCh37 (hg19) VCF-style: chr20-10626016-TCTTTC-T.
Other names: 2504del5; c.2096_2100delGAAAG (NM_000214.2); short protein forms G699fs.
Identifiers: ClinVar variation 7621 (VCV000007621.16), dbSNP rs886039393, ClinGen allele CA10588692.
Genomic context (GRCh38, chr20:10,645,368, plus strand): 5'-CAGAGGGAAGGGTCCCAGAGATAGCATCCAAGGCCAACTACCACTTACGTGAGTGGCAGG[TCTTTC>T]CTTTCCACCCATTTTTACAGTCACAGTAGAAGTCATTGACCAGGTCGCGACACGTGCCCC-3'

ClinVar aggregate classification (germline): Pathogenic. Review status: criteria provided, multiple submitters, no conflicts (2 of 4 stars). 5 submissions from 5 submitters: Pathogenic (4). 1 of the submissions does not count toward it. Last evaluated 2025-07-02.

Conditions:
Deafness, congenital heart defects, and posterior embryotoxon (DCHE). Identifiers: MedGen C1866053, MONDO:0060713, OMIM 617992.
Charcot-Marie-Tooth disease, axonal, Type 2HH. Also called: CHARCOT-MARIE-TOOTH NEUROPATHY, TYPE 2HH. Identifiers: MedGen C5562003, MONDO:0030458, OMIM 619574.
Tetralogy of Fallot (TOF). Identifiers: Orphanet 3303, MedGen C0039685, MONDO:0008542, OMIM 187500, HP:0001636.
Alagille syndrome due to a JAG1 point mutation. Also called: JAG1-Related Alagille Syndrome; HEPATIC DUCTULAR HYPOPLASIA, SYNDROMATIC; Alagille Syndrome 1. Identifiers: Orphanet 261619, Orphanet 52, MedGen C1956125, MONDO:0016862, OMIM 118450.

Submissions (5):

Labcorp Genetics (formerly Invitae), Labcorp
Classification: Pathogenic for Alagille syndrome due to a JAG1 point mutation. Last evaluated: 2025-07-02. Review status: criteria provided, single submitter. Criteria: Invitae Variant Classification Sherloc (09022015). Collection method: clinical testing. Allele origin: germline.
Comment: This sequence change creates a premature translational stop signal (p.Gly699Aspfs*6) in the JAG1 gene. It is expected to result in an absent or disrupted protein product. Loss-of-function variants in JAG1 are known to be pathogenic (PMID: 11180599). This variant is not present in population databases (gnomAD no frequency). This premature translational stop signal has been observed in individuals with Alagille syndrome (PMID: 9585603). ClinVar contains an entry for this variant (Variation ID: 7621). For these reasons, this variant has been classified as Pathogenic.

Fulgent Genetics
Classification: Pathogenic for Alagille syndrome due to a JAG1 point mutation; Tetralogy of Fallot; Deafness, congenital heart defects, and posterior embryotoxon; Charcot-Marie-Tooth disease, axonal, Type 2HH. Last evaluated: 2024-01-06. Review status: criteria provided, single submitter. Criteria: ACMG Guidelines, 2015. Collection method: clinical testing. Allele origin: germline.

GeneDx
Classification: Pathogenic. Last evaluated: 2022-10-19. Review status: criteria provided, single submitter. Criteria: GeneDx Variant Classification Process June 2021. Collection method: clinical testing. Allele origin: germline. Affected: yes.
Comment: Frameshift variant predicted to result in protein truncation or nonsense mediated decay in a gene for which loss of function is a known mechanism of disease; Not observed at significant frequency in large population cohorts (gnomAD); This variant is associated with the following publications: (PMID: 9585603)

Eurofins Ntd Llc (ga)
Classification: Pathogenic. Last evaluated: 2018-09-12. Review status: criteria provided, single submitter. Criteria: EGL ClinVar v180209 classification definitions. Collection method: clinical testing. Allele origin: germline. Observed: 2 variant alleles, 2 heterozygotes.

OMIM
Classification: Pathogenic for ALAGILLE SYNDROME 1. Last evaluated: 1998-06-01. Review status: no assertion criteria provided. Collection method: literature only. Allele origin: germline. Not counted in ClinVar's aggregate classification.

Literature cited by the submitters: PubMed 11180599 (cited by Labcorp Genetics (formerly Invitae), Labcorp); PubMed 9585603 (cited by 3 submitters).